The following is an entry in ClinVar:

ClinVar aggregate classification (germline): Uncertain significance. Review status: criteria provided, multiple submitters, no conflicts (2 of 4 stars). 2 submissions from 2 submitters: Uncertain significance (2). Last evaluated 2025-04-28.

Conditions:
Neurofibromatosis, type 1 (NF1). Also called: Peripheral type neurofibromatosis; Neurofibromatosis, type I; VON RECKLINGHAUSEN DISEASE; NEUROFIBROMATOSIS, TYPE I, SOMATIC. Identifiers: Orphanet 636, MedGen C0027831, MONDO:0018975, OMIM 162200. Disease mechanism: loss of function.

Allele frequency attached by ClinVar (database versions not stated): gnomAD exomes below 0.00001; TOPMed 0.00001.
gnomAD v4.1: 1 of 1,600,826 alleles (0.000062%); highest among the groups gnomAD compares: Non-Finnish European, 0.000085%; no homozygotes.

Submissions (2):

Labcorp Genetics (formerly Invitae), Labcorp
Classification: Uncertain significance for Neurofibromatosis, type 1. Last evaluated: 2025-04-28. Review status: criteria provided, single submitter. Criteria: Invitae Variant Classification Sherloc (09022015). Collection method: clinical testing. Allele origin: germline.
Comment: This sequence change falls in intron 14 of the NF1 gene. It does not directly change the encoded amino acid sequence of the NF1 protein. It affects a nucleotide within the consensus splice site. This variant is not present in population databases (gnomAD no frequency). This variant has not been reported in the literature in individuals affected with NF1-related conditions. ClinVar contains an entry for this variant (Variation ID: 1027176). Variants that disrupt the consensus splice site are a relatively common cause of aberrant splicing (PMID: 17576681, 9536098). Algorithms developed to predict the effect of sequence changes on RNA splicing suggest that this variant is not likely to affect RNA splicing. This variant disrupts the c.1642-3C nucleotide in the NF1 gene. Other variant(s) that disrupt this nucleotide have been determined to be pathogenic (PMID: 32126153; internal data). This suggests that this nucleotide is clinically significant, and that variants that disrupt this position are likely to be disease-causing. In summary, the available evidence is currently insufficient to determine the role of this variant in disease. Therefore, it has been classified as a Variant of Uncertain Significance.

GeneDx
Classification: Uncertain significance. Last evaluated: 2022-06-20. Review status: criteria provided, single submitter. Criteria: GeneDx Variant Classification Process June 2021. Collection method: clinical testing. Allele origin: germline. Affected: yes.
Comment: Not observed at significant frequency in large population cohorts (gnomAD); In silico analysis supports that this variant does not alter splicing; Nucleotide substitution has no predicted effect on splicing and is not conserved across species; Has not been previously published as pathogenic or benign to our knowledge

Literature cited by the submitters: PubMed 17576681 (cited by Labcorp Genetics (formerly Invitae), Labcorp); PubMed 9536098 (cited by Labcorp Genetics (formerly Invitae), Labcorp); PubMed 32126153 (cited by Labcorp Genetics (formerly Invitae), Labcorp).

NM_001042492.3(NF1):c.1642-3C>T

Gene: NF1 (neurofibromin 1; plus strand). Cytogenetic location: 17q11.2.
Variant type: single nucleotide variant.
Coding change: c.1642-3C>T on transcript NM_001042492.3 (MANE Select); 3 bases into the intron before coding-DNA position 1642, C replaced by T.
Molecular consequence: intron variant.
Genome position (GRCh38, 1-based): chr17:31,221,847, C>T. VCF-style: chr17-31221847-C-T. GRCh37 (hg19) VCF-style: chr17-29548865-C-T.
Other names: c.1642-3C>T (NM_000267.4, NM_001128147.3).
Identifiers: ClinVar variation 1027176 (VCV001027176.6), dbSNP rs1597706610, ClinGen allele CA2255559511.